The following is an entry in ClinVar:

ClinVar aggregate classification (germline): Uncertain significance. Review status: criteria provided, multiple submitters, no conflicts (2 of 4 stars). 4 submissions from 4 submitters: Uncertain significance (4). Last evaluated 2026-01-06.

Conditions:
Cardiovascular phenotype. Identifiers: MedGen CN230736.
Hypertrophic cardiomyopathy 1 (CMH1). Also called: MYH7-Related Familial Hypertrophic Cardiomyopathy; Familial hypertrophic cardiomyopathy 1. Identifiers: MedGen C3495498, MONDO:0008647, OMIM 192600.
Myopathy, myosin storage, autosomal recessive (CMYO7B). Also called: CONGENITAL MYOPATHY 7B, MYOSIN STORAGE, AUTOSOMAL RECESSIVE. Identifiers: Orphanet 636970, MedGen C1850709, MONDO:0009708, OMIM 255160.
Myosin storage myopathy (CMYO7A). Also called: MYOPATHY WITH LYSIS OF TYPE I MYOFIBRILS; MYOPATHY, HYALINE BODY, AUTOSOMAL DOMINANT; MYH7-related late-onset scapuloperoneal muscular dystrophy; Congenital myopathy 7A, myosin storage, autosomal dominant; SCAPULOPERONEAL MUSCULAR DYSTROPHY; SCAPULOPERONEAL SYNDROME, MYOPATHIC TYPE. Identifiers: Orphanet 437572, Orphanet 636965, MedGen C1842160, MONDO:0008409, OMIM 608358.
Dilated cardiomyopathy 1S (CMD1S). Identifiers: Orphanet 154, Orphanet 54260, MedGen C1834481, MONDO:0013262, OMIM 613426.
MYH7-related skeletal myopathy. Also called: Laing distal myopathy; Laing early-onset distal myopathy; Myopathy, distal, 1; MYOPATHY, DISTAL, EARLY-ONSET, AUTOSOMAL DOMINANT; MYOPATHY, LATE DISTAL HEREDITARY. Identifiers: Orphanet 59135, MedGen C4552004, MONDO:0008050, OMIM 160500.
Cardiomyopathy (CMYO). Also called: Cardiomyopathies. Identifiers: Orphanet 167848, MedGen C0878544, MONDO:0004994, HP:0001638. Inheritance: Various modes of inheritance.
Hypertrophic cardiomyopathy. Also called: HYPERTROPHIC MYOCARDIOPATHY. Identifiers: Orphanet 217569, MedGen C0007194, MeSH D002312, MONDO:0005045, HP:0001639.

gnomAD v4.1: 2 of 1,614,232 alleles (0.00012%); highest among the groups gnomAD compares: South Asian, 0.0011%; no homozygotes.

Submissions (4):

Labcorp Genetics (formerly Invitae), Labcorp
Classification: Uncertain significance for Hypertrophic cardiomyopathy. Last evaluated: 2026-01-06. Review status: criteria provided, single submitter. Criteria: Invitae Variant Classification Sherloc (09022015). Collection method: clinical testing. Allele origin: germline.
Comment: This sequence change replaces leucine, which is neutral and non-polar, with valine, which is neutral and non-polar, at codon 1312 of the MYH7 protein (p.Leu1312Val). This variant is not present in population databases (gnomAD no frequency). This missense change has been observed in individual(s) with clinical features of MYH7-related disease (internal data). ClinVar contains an entry for this variant (Variation ID: 454371). Invitae Evidence Modeling of protein sequence and biophysical properties (such as structural, functional, and spatial information, amino acid conservation, physicochemical variation, residue mobility, and thermodynamic stability) has been performed for this missense variant. However, the output from this modeling did not meet the statistical confidence thresholds required to predict the impact of this variant on MYH7 protein function. In summary, the available evidence is currently insufficient to determine the role of this variant in disease. Therefore, it has been classified as a Variant of Uncertain Significance.

Fulgent Genetics
Classification: Uncertain significance for MYH7-related skeletal myopathy; Hypertrophic cardiomyopathy 1; Myopathy, myosin storage, autosomal recessive; Myosin storage myopathy; Dilated cardiomyopathy 1S. Last evaluated: 2024-03-08. Review status: criteria provided, single submitter. Criteria: ACMG Guidelines, 2015. Collection method: clinical testing. Allele origin: germline.

Color Diagnostics, LLC DBA Color Health
Classification: Uncertain significance for Cardiomyopathy. Last evaluated: 2024-03-06. Review status: criteria provided, single submitter. Criteria: ACMG Guidelines, 2015. Collection method: clinical testing. Allele origin: germline.
Comment: This missense variant replaces leucine with valine at codon 1312 of the MYH7 protein. Computational prediction suggests that this variant may not impact protein structure and function (internally defined REVEL score threshold <= 0.5, PMID: 27666373). To our knowledge, functional studies have not been reported for this variant. This variant has not been reported in individuals affected with cardiovascular disorders in the literature. This variant has not been identified in the general population by the Genome Aggregation Database (gnomAD). The available evidence is insufficient to determine the role of this variant in disease conclusively. Therefore, this variant is classified as a Variant of Uncertain Significance.

Ambry Genetics
Classification: Uncertain significance for Cardiovascular phenotype. Last evaluated: 2020-11-10. Review status: criteria provided, single submitter. Criteria: Ambry Variant Classification Scheme 2023. Collection method: clinical testing. Allele origin: germline.
Comment: The p.L1312V variant (also known as c.3934C>G), located in coding exon 27 of the MYH7 gene, results from a C to G substitution at nucleotide position 3934. The leucine at codon 1312 is replaced by valine, an amino acid with highly similar properties. This amino acid position is not well conserved in available vertebrate species. In addition, this alteration is predicted to be tolerated by in silico analysis. Since supporting evidence is limited at this time, the clinical significance of this alteration remains unclear.

NM_000257.4(MYH7):c.3934C>G (p.Leu1312Val)

Gene: MYH7 (myosin heavy chain 7; minus strand). Cytogenetic location: 14q11.2.
Variant type: single nucleotide variant.
Coding change: c.3934C>G on transcript NM_000257.4 (MANE Select); coding-DNA position 3934, C replaced by G.
Protein change: p.Leu1312Val; replaces leucine 1312 with valine.
Molecular consequence: missense variant.
Genome position (GRCh38, 1-based): chr14:23,419,215, G>C on the plus strand (C>G on the coding strand, the complement: MYH7 is on the minus strand). VCF-style: chr14-23419215-G-C. GRCh37 (hg19) VCF-style: chr14-23888424-G-C.
Other names: short protein forms L1312V.
Identifiers: ClinVar variation 454371 (VCV000454371.11), dbSNP rs886050419, ClinGen allele CA389041549.